The following is an entry in ClinVar:

ClinVar aggregate classification (germline): Uncertain significance (1 of 4 stars; one submission).

Submission:

Labcorp Genetics (formerly Invitae), Labcorp
Classification: Uncertain significance. Last evaluated: 2022-08-19. Review status: criteria provided, single submitter. Criteria: Invitae Variant Classification Sherloc (09022015). Collection method: clinical testing. Allele origin: germline.
Comment: A copy number gain of the genomic region encompassing the full coding sequence of the AP3B2 gene has been identified. The boundaries of this event are unknown as they extend beyond the assayed region for this gene and therefore may encompass additional genes. As the precise location of this event is unknown, it may be in tandem or it may be located elsewhere in the genome. This variant has not been reported in the literature in individuals affected with AP3B2-related conditions. In summary, the available evidence is currently insufficient to determine the role of this variant in disease. Therefore, it has been classified as a Variant of Uncertain Significance.

NC_000015.9:g.(?_83328312)_(83621287_?)dup

Genes: AP3B2 (adaptor related protein complex 3 subunit beta 2; minus strand), FSD2 (fibronectin type III and SPRY domain containing 2; minus strand), HOMER2 (homer scaffold protein 2; minus strand), SCARNA15 (small Cajal body-specific RNA 15; plus strand), WHAMM (WASP homolog associated with actin, golgi membranes and microtubules; plus strand). Cytogenetic location: 15q25.2.
Variant type: Duplication.
Identifiers: ClinVar variation 1374929 (VCV001374929.4).